The following is an entry in ClinVar:

ClinVar aggregate classification (germline): Pathogenic. Review status: criteria provided, multiple submitters, no conflicts (2 of 4 stars). 2 submissions from 2 submitters: Pathogenic (2). Last evaluated 2025-03-18.

Submissions (2):

Labcorp Genetics (formerly Invitae), Labcorp
Classification: Pathogenic. Last evaluated: 2025-03-18. Review status: criteria provided, single submitter. Criteria: Invitae Variant Classification Sherloc (09022015). Collection method: clinical testing. Allele origin: germline.
Comment: This sequence change creates a premature translational stop signal (p.His314Thrfs*7) in the SERPING1 gene. It is expected to result in an absent or disrupted protein product. Loss-of-function variants in SERPING1 are known to be pathogenic (PMID: 11112899, 24456027). This variant is not present in population databases (gnomAD no frequency). This premature translational stop signal has been observed in individual(s) with hereditary angioedema (PMID: 33292549). This variant is also known as c.939delT (p.H314Tfs320×). ClinVar contains an entry for this variant (Variation ID: 426410). For these reasons, this variant has been classified as Pathogenic.

GeneDx
Classification: Pathogenic. Last evaluated: 2018-02-05. Review status: criteria provided, single submitter. Criteria: GeneDx Variant Classification (06012015). Collection method: clinical testing. Allele origin: germline. Affected: yes.
Comment: The c.936delC pathogenic variant in the SERPING1 gene causes a frameshift starting with codon Histidine 314, changes this amino acid to a Threonine residue and creates a premature Stop codon at position 7 of the new reading frame, denoted p.His314ThrfsX7. This pathogenic variant is predicted to cause loss of normal protein function either through protein truncation or nonsense-mediated mRNA decay. The variant is not observed in large population cohorts (Lek et al., 2016; 1000 Genomes Consortium et al., 2015; Exome Variant Server). Although this pathogenic variant has not been previously reported to our knowledge, we consider it to be pathogenic.

Literature cited by the submitters: PubMed 11112899 (cited by Labcorp Genetics (formerly Invitae), Labcorp); PubMed 24456027 (cited by Labcorp Genetics (formerly Invitae), Labcorp); PubMed 33292549 (cited by Labcorp Genetics (formerly Invitae), Labcorp).

NM_000062.3(SERPING1):c.936del (p.His314fs)

Gene: SERPING1 (serpin family G member 1; plus strand). Cytogenetic location: 11q12.1.
Variant type: Deletion.
Coding change: c.936del on transcript NM_000062.3 (MANE Select); coding-DNA position 936, one base deleted (C; older notation c.936delC).
Protein change: p.His314fs; shifts the reading frame from histidine 314.
Molecular consequence: frameshift variant.
Genome position (GRCh38, 1-based): chr11:57,606,454, C deleted; the last of 3 consecutive C bases (chr11:57,606,452-57,606,454); deleting any one gives the same sequence. VCF-style (leftmost placement, unchanged base first): chr11-57606451-AC-A. GRCh37 (hg19) VCF-style: chr11-57373924-AC-A.
Other names: c.936delC (NM_000062.2); c.936del, p.His314fs (NM_001032295.2); short protein forms H314fs.
Identifiers: ClinVar variation 426410 (VCV000426410.3), dbSNP rs1085307611, ClinGen allele CA645294067.